The following is an entry in ClinVar:

ClinVar aggregate classification (germline): Likely benign. Review status: criteria provided, multiple submitters, no conflicts (2 of 4 stars). 2 submissions from 2 submitters: Likely benign (2). Last evaluated 2026-07-15.

Conditions:
STX16-related disorder. Also called: STX16-related condition.

gnomAD v4.1: 4 of 1,614,138 alleles (0.00025%); highest among the groups gnomAD compares: East Asian, 0.0067%; no homozygotes.

Submissions (2):

PreventionGenetics, part of Exact Sciences
Classification: Likely benign for STX16-related condition. Last evaluated: 2026-07-15. Review status: criteria provided, single submitter. Criteria: ACMG Guidelines, 2015. Collection method: clinical testing. Allele origin: germline.
Comment: This variant is classified as likely benign based on ACMG/AMP sequence variant interpretation guidelines (Richards et al. 2015 PMID: 25741868, with internal and published modifications).

Labcorp Genetics (formerly Invitae), Labcorp
Classification: Likely benign. Last evaluated: 2024-05-23. Review status: criteria provided, single submitter. Criteria: Invitae Variant Classification Sherloc (09022015). Collection method: clinical testing. Allele origin: germline.

NM_001001433.3(STX16):c.264T>C (p.Asp88=)

Genes: STX16 (syntaxin 16; plus strand), STX16-NPEPL1 (STX16-NPEPL1 readthrough (NMD candidate); plus strand). Cytogenetic location: 20q13.32.
Variant type: single nucleotide variant.
Coding change: c.264T>C on transcript NM_001001433.3 (MANE Select); coding-DNA position 264, T replaced by C.
Protein change: p.Asp88=; no amino-acid change (aspartic acid 88 retained).
Molecular consequence: synonymous variant. On other transcripts: non-coding transcript variant (4).
Genome position (GRCh38, 1-based): chr20:58,667,998, T>C. VCF-style: chr20-58667998-T-C. GRCh37 (hg19) VCF-style: chr20-57243054-T-C.
Other names: c.252T>C, p.Asp84= (NM_001134772.3); c.213T>C, p.Asp71= (NM_001134773.3); c.105T>C, p.Asp35= (NM_001204868.2); c.201T>C, p.Asp67= (NM_003763.6); c.264T>C (NM_001001433.2).
Identifiers: ClinVar variation 3699366 (VCV003699366.3).